The following is an entry in ClinVar:

ClinVar aggregate classification (germline): Conflicting classifications of pathogenicity. Review status: criteria provided, conflicting classifications (1 of 4 stars). 3 submissions from 3 submitters: Uncertain significance (1); Likely benign (2). Last evaluated 2025-04-17.

Conditions:
Primary ciliary dyskinesia 23 (CILD23). Also called: CILIARY DYSKINESIA, PRIMARY, 23, WITH OR WITHOUT SITUS INVERSUS. Identifiers: Orphanet 244, MedGen C3809548, MONDO:0014193, OMIM 615451.
Primary ciliary dyskinesia. Also called: Ciliary dyskinesia. Identifiers: Orphanet 244, MedGen C0008780, MONDO:0016575, HP:0012265.

Allele frequency attached by ClinVar (database versions not stated): gnomAD exomes 0.00007 and 0.00016; gnomAD 0.00011 and 0.00013; 1000 Genomes Project 30x 0.00016; ExAC 0.00016; TOPMed 0.00018; 1000 Genomes Project 0.00020.
gnomAD v4.1: 114 of 1,614,062 alleles (0.0071%); highest among the groups gnomAD compares: East Asian, 0.15%; no homozygotes.

Submissions (3):

Labcorp Genetics (formerly Invitae), Labcorp
Classification: Uncertain significance for Primary ciliary dyskinesia 23. Last evaluated: 2025-04-17. Review status: criteria provided, single submitter. Criteria: Invitae Variant Classification Sherloc (09022015). Collection method: clinical testing. Allele origin: germline.
Comment: This sequence change replaces threonine, which is neutral and polar, with methionine, which is neutral and non-polar, at codon 9 of the ARMC4 protein (p.Thr9Met). This variant is present in population databases (rs181484327, gnomAD 0.1%). This variant has not been reported in the literature in individuals affected with ARMC4-related conditions. ClinVar contains an entry for this variant (Variation ID: 474582). An algorithm developed to predict the effect of missense changes on protein structure and function (PolyPhen-2) suggests that this variant is likely to be tolerated. In summary, the available evidence is currently insufficient to determine the role of this variant in disease. Therefore, it has been classified as a Variant of Uncertain Significance.

Blueprint Genetics
Classification: Likely benign. Last evaluated: 2024-10-23. Review status: criteria provided, single submitter. Criteria: ACMG Guidelines, 2015. Collection method: clinical testing. Allele origin: germline.

Ambry Genetics
Classification: Likely benign for Primary ciliary dyskinesia. Last evaluated: 2022-07-29. Review status: criteria provided, single submitter. Criteria: Ambry Variant Classification Scheme 2023. Collection method: clinical testing. Allele origin: germline.

NM_018076.5(ODAD2):c.26C>T (p.Thr9Met)

Genes: ODAD2 (outer dynein arm docking complex subunit 2; minus strand), LOC126860891 (CDK7 strongly-dependent group 2 enhancer GRCh37_chr10:28283413-28284612; plus strand). Cytogenetic location: 10p12.1.
Variant type: single nucleotide variant.
Coding change: c.26C>T on transcript NM_018076.5 (MANE Select); coding-DNA position 26, C replaced by T.
Protein change: p.Thr9Met; replaces threonine 9 with methionine.
Molecular consequence: missense variant.
Genome position (GRCh38, 1-based): chr10:27,995,117, G>A on the plus strand (C>T on the coding strand, the complement: ODAD2 is on the minus strand). VCF-style: chr10-27995117-G-A. GRCh37 (hg19) VCF-style: chr10-28284046-G-A.
Other names: c.26C>T, p.Thr9Met (NM_001290020.2); short protein forms T9M.
Identifiers: ClinVar variation 474582 (VCV000474582.11), dbSNP rs181484327, ClinGen allele CA5453921.